The following is an entry in ClinVar:

NM_002633.3(PGM1):c.184G>A (p.Asp62Asn)

Genes: PGM1 (phosphoglucomutase 1; plus strand), LOC129930668 (ATAC-STARR-seq lymphoblastoid active region 1127; plus strand). Cytogenetic location: 1p31.3.
Variant type: single nucleotide variant.
Coding change: c.184G>A on transcript NM_002633.3 (MANE Select); coding-DNA position 184, G replaced by A.
Protein change: p.Asp62Asn; replaces aspartic acid 62 with asparagine.
Molecular consequence: missense variant.
Genome position (GRCh38, 1-based): chr1:63,593,672, G>A. VCF-style: chr1-63593672-G-A. GRCh37 (hg19) VCF-style: chr1-64059343-G-A.
Other names: short protein forms D62N.
Identifiers: ClinVar variation 4820330 (VCV004820330.1).

ClinVar aggregate classification (germline): Uncertain significance (1 of 4 stars; one submission).

Conditions:
Fetal anomalies with a likely genetic cause.

Submission:

Genetics Laboratory, Great Ormond Street Hospital NHS Foundation Trust, North Thames Genomic Laboratory Hub
Classification: Uncertain significance for Fetal anomalies with a likely genetic cause. Last evaluated: 2026-02-20. Review status: criteria provided, single submitter. Criteria: ACGS Best Practice Guidelines for Variant Classification in Rare Disease 2024 v1.2. Collection method: clinical testing. Allele origin: germline. Affected: yes.
Comment: PM2_moderate, PP3_supporting, PM5_supporting